The following is an entry in ClinVar:

NM_006514.4(SCN10A):c.3814G>A (p.Asp1272Asn)

Gene: SCN10A (sodium voltage-gated channel alpha subunit 10; minus strand). Cytogenetic location: 3p22.2.
Variant type: single nucleotide variant.
Coding change: c.3814G>A on transcript NM_006514.4 (MANE Select); coding-DNA position 3814, G replaced by A.
Protein change: p.Asp1272Asn; replaces aspartic acid 1272 with asparagine.
Molecular consequence: missense variant.
Genome position (GRCh38, 1-based): chr3:38,712,436, C>T on the plus strand (G>A on the coding strand, the complement: SCN10A is on the minus strand). VCF-style: chr3-38712436-C-T. GRCh37 (hg19) VCF-style: chr3-38753927-C-T.
Other names: c.3811G>A, p.Asp1271Asn (NM_001293306.2); c.3520G>A, p.Asp1174Asn (NM_001293307.2); short protein forms D1271N, D1174N, D1272N.
Identifiers: ClinVar variation 1735187 (VCV001735187.2), dbSNP rs2470604010, ClinGen allele CA352151397.

ClinVar aggregate classification (germline): Uncertain significance (1 of 4 stars; one submission).

Conditions:
Cardiovascular phenotype. Identifiers: MedGen CN230736.

Submission:

Ambry Genetics
Classification: Uncertain significance for Cardiovascular phenotype. Last evaluated: 2019-11-12. Review status: criteria provided, single submitter. Criteria: Ambry Variant Classification Scheme 2023. Collection method: clinical testing. Allele origin: germline.
Comment: The p.D1272N variant (also known as c.3814G>A), located in coding exon 22 of the SCN10A gene, results from a G to A substitution at nucleotide position 3814. The aspartic acid at codon 1272 is replaced by asparagine, an amino acid with highly similar properties. This amino acid position is not well conserved in available vertebrate species, and asparagine is the reference amino acid in other vertebrate species. In addition, this alteration is predicted to be tolerated by in silico analysis. Since supporting evidence is limited at this time, the clinical significance of this alteration remains unclear.